The following is an entry in ClinVar:

ClinVar aggregate classification (germline): Pathogenic/Likely pathogenic. Review status: criteria provided, multiple submitters, no conflicts (2 of 4 stars). 10 submissions from 10 submitters: Pathogenic (6); Likely pathogenic (2). 2 of the submissions do not count toward it. Last evaluated 2026-01-24.

Conditions:
SPATA7-related disorder. Also called: SPATA7-related condition; SPATA7-related disorders. Identifiers: MedGen CN239422.
Leber congenital amaurosis (LCA). Also called: Leber's amaurosis. Identifiers: Orphanet 65, MedGen C0339527, MeSH D057130, MONDO:0018998.
Retinitis pigmentosa (RP). Identifiers: Orphanet 791, MedGen C0035334, MeSH D012174, MONDO:0019200, OMIM 268000. Inheritance: Autosomal dominant, autosomal recessive and X linked inheritance.
Autosomal recessive retinitis pigmentosa. Identifiers: MedGen C0339526.
Leber congenital amaurosis 3 (LCA3). Also called: SPATA7-Related Retinitis Pigmentosa. Identifiers: MedGen C1858677, MONDO:0011415, OMIM 604232.

Allele frequency attached by ClinVar (database versions not stated): TOPMed 0.00001; ExAC 0.00002; gnomAD 0.00002; gnomAD exomes 0.00002.
gnomAD v4.1: 82 of 1,613,320 alleles (0.0051%); highest among the groups gnomAD compares: Non-Finnish European, 0.0068%; no homozygotes.

Submissions (10):

Labcorp Genetics (formerly Invitae), Labcorp
Classification: Pathogenic for Leber congenital amaurosis 3. Last evaluated: 2026-01-24. Review status: criteria provided, single submitter. Criteria: Invitae Variant Classification Sherloc (09022015). Collection method: clinical testing. Allele origin: germline.
Comment: This sequence change creates a premature translational stop signal (p.Cys96*) in the SPATA7 gene. It is expected to result in an absent or disrupted protein product. Loss-of-function variants in SPATA7 are known to be pathogenic (PMID: 19268277, 22334370, 23847139, 26047050, 26261414). This variant is present in population databases (rs767745816, gnomAD 0.006%). This premature translational stop signal has been observed in individual(s) with inherited retinal dystrophy (PMID: 26306921). ClinVar contains an entry for this variant (Variation ID: 191050). For these reasons, this variant has been classified as Pathogenic.

Women's Health and Genetics/Laboratory Corporation of America, LabCorp
Classification: Pathogenic for Leber congenital amaurosis. Last evaluated: 2024-12-18. Review status: criteria provided, single submitter. Criteria: LabCorp Variant Classification Summary - May 2015. Collection method: clinical testing. Allele origin: germline.
Comment: Variant summary: SPATA7 c.288T>A (p.Cys96X) results in a premature termination codon, predicted to cause a truncation of the encoded protein or absence of the protein due to nonsense mediated decay, which are commonly known mechanisms for disease. The variant allele was found at a frequency of 2.4e-05 in 250800 control chromosomes. c.288T>A has been reported in the literature in individuals affected with inherited retinal dystrophy (eg. Colombo_2021). These data indicate that the variant may be associated with disease. To our knowledge, no experimental evidence demonstrating an impact on protein function has been reported. The following publication has been ascertained in the context of this evaluation (PMID: 33576794). ClinVar contains an entry for this variant (Variation ID: 191050). Based on the evidence outlined above, the variant was classified as pathogenic.

Dubai Health Genomic Medicine Center, Dubai Health
Classification: Pathogenic for Leber congenital amaurosis 3. Last evaluated: 2024-10-04. Review status: criteria provided, single submitter. Criteria: ACMG Guidelines, 2015. Collection method: research. Allele origin: germline. Affected: yes.
Comment: PVS1,PM3,PM2

Blueprint Genetics
Classification: Pathogenic for SPATA7-related disorders. Last evaluated: 2024-03-26. Review status: criteria provided, single submitter. Criteria: ACMG Guidelines, 2015. Collection method: clinical testing. Allele origin: germline. Affected: yes. Observed: 4 variant alleles.

Revvity Omics, Revvity
Classification: Likely pathogenic for Leber congenital amaurosis 3. Last evaluated: 2021-11-19. Review status: criteria provided, single submitter. Criteria: ACMG Guidelines, 2015. Collection method: clinical testing. Allele origin: germline.

Victorian Clinical Genetics Services, Murdoch Childrens Research Institute
Classification: Pathogenic for Leber congenital amaurosis 3. Last evaluated: 2021-05-06. Review status: criteria provided, single submitter. Criteria: ACMG Guidelines, 2015. Collection method: clinical testing. Allele origin: germline. Inheritance: Autosomal recessive inheritance.
Comment: Based on the classification scheme VCGS_Germline_v1.3.4, this variant is classified as Pathogenic. Following criteria are met: 0102 - Loss of function is a known mechanism of disease in this gene and is associated with Leber congenital amaurosis 3 (MIM#604232) and autosomal recessive juvenile retinitis pigmentosa (MIM#604232). (I) 0106 - This gene is associated with autosomal recessive disease. (I) 0201 - Variant is predicted to cause nonsense-mediated decay (NMD) and loss of protein (premature termination codon is located at least 54 nucleotides upstream of the final exon-exon junction). (SP) 0251 - This variant is heterozygous. (I) 0304 - Variant is present in gnomAD (v2) <0.01 for a recessive condition (7 heterozygotes, 0 homozygotes). (SP) 0701 - Other NMD-predicted variants comparable to the one identified in this case have very strong previous evidence for pathogenicity. More than 10 NMD-predicted variants in this gene have been reported in patients (PMID: 31908400, ClinVar). (SP) 0801 - This variant has strong previous evidence of pathogenicity in unrelated individuals. It has been reported in multiple patients with retinitis pigmentosa or Leber congenital amaurosis (PMIDs: 26355662, 26261414, 26306921). (SP) 1201 - Heterozygous variant detected in trans with a second pathogenic heterozygous variant (c.1126_1127delGA) in a recessive disease. (I) Legend: (SP) - Supporting pathogenic, (I) - Information, (SB) - Supporting benign

Clinical Genetics and Genomics, Karolinska University Hospital
Classification: Pathogenic. Last evaluated: 2015-01-16. Review status: criteria provided, single submitter. Criteria: ACMG Guidelines, 2015. Collection method: clinical testing. Allele origin: germline. Affected: yes. Observed: 3 variant alleles.

Genomic Medicine Center of Excellence, King Faisal Specialist Hospital and Research Centre
Classification: Likely pathogenic. Review status: criteria provided, single submitter. Criteria: ACMG Guidelines, 2015. Collection method: research. Allele origin: germline. Affected: yes.

Sharon lab, Hadassah-Hebrew University Medical Center
Classification: Pathogenic for Retinitis pigmentosa. Last evaluated: 2019-06-23. Review status: no assertion criteria provided. Collection method: research. Allele origin: inherited. Affected: yes. Not counted in ClinVar's aggregate classification.

Faculty of Health Sciences, Beirut Arab University
Classification: Pathogenic for Autosomal recessive Retinitis Pigmentosa. Last evaluated: 2015-09-10. Review status: no assertion criteria provided. Collection method: literature only. Allele origin: germline. Affected: yes. Observed: 1 variant allele. Not counted in ClinVar's aggregate classification.

Literature cited by the submitters: PubMed 19268277 (cited by Labcorp Genetics (formerly Invitae), Labcorp); PubMed 22334370 (cited by Labcorp Genetics (formerly Invitae), Labcorp); PubMed 23847139 (cited by Labcorp Genetics (formerly Invitae), Labcorp); PubMed 26047050 (cited by Labcorp Genetics (formerly Invitae), Labcorp); PubMed 26261414 (cited by Labcorp Genetics (formerly Invitae), Labcorp and Victorian Clinical Genetics Services, Murdoch Childrens Research Institute); PubMed 26306921 (cited by Labcorp Genetics (formerly Invitae), Labcorp and Victorian Clinical Genetics Services, Murdoch Childrens Research Institute); PubMed 33576794 (cited by Women's Health and Genetics/Laboratory Corporation of America, LabCorp); PubMed 26355662 (cited by Victorian Clinical Genetics Services, Murdoch Childrens Research Institute and Faculty of Health Sciences, Beirut Arab University); PubMed 31908400 (cited by Victorian Clinical Genetics Services, Murdoch Childrens Research Institute).

NM_018418.5(SPATA7):c.288T>A (p.Cys96Ter)

Gene: SPATA7 (spermatogenesis associated 7; plus strand). Cytogenetic location: 14q31.3.
Variant type: single nucleotide variant.
Coding change: c.288T>A on transcript NM_018418.5 (MANE Select); coding-DNA position 288, T replaced by A.
Protein change: p.Cys96Ter; replaces cysteine 96 with a stop codon.
Molecular consequence: nonsense.
Genome position (GRCh38, 1-based): chr14:88,416,760, T>A. VCF-style: chr14-88416760-T-A. GRCh37 (hg19) VCF-style: chr14-88883104-T-A.
Other names: c.192T>A, p.Cys64Ter (NM_001040428.4); short protein forms C96*, C64*.
Identifiers: ClinVar variation 191050 (VCV000191050.18), dbSNP rs767745816, ClinGen allele CA235914.